The following is an entry in ClinVar:

NM_014915.3(ANKRD26):c.5125A>G (p.Met1709Val)

Gene: ANKRD26 (ankyrin repeat domain containing 26; minus strand). Cytogenetic location: 10p12.1.
Variant type: single nucleotide variant.
Coding change: c.5125A>G on transcript NM_014915.3 (MANE Select); coding-DNA position 5125, A replaced by G.
Protein change: p.Met1709Val; replaces methionine 1709 with valine.
Molecular consequence: missense variant.
Genome position (GRCh38, 1-based): chr10:27,005,598, T>C on the plus strand (A>G on the coding strand, the complement: ANKRD26 is on the minus strand). VCF-style: chr10-27005598-T-C. GRCh37 (hg19) VCF-style: chr10-27294527-T-C.
Other names: c.5122A>G, p.Met1708Val (NM_001256053.2); short protein forms M1708V, M1709V.
Identifiers: ClinVar variation 3871940 (VCV003871940.1).

ClinVar aggregate classification (germline): Uncertain significance (1 of 4 stars; one submission).

Conditions:
Inborn genetic diseases. Identifiers: MedGen C0950123, MeSH D030342.

Submission:

Ambry Genetics
Classification: Uncertain significance for Inborn genetic diseases. Last evaluated: 2025-03-02. Review status: criteria provided, single submitter. Criteria: Ambry Variant Classification Scheme 2023. Collection method: clinical testing. Allele origin: germline.
Comment: The p.M1709V variant (also known as c.5125A>G), located in coding exon 34 of the ANKRD26 gene, results from an A to G substitution at nucleotide position 5125. The methionine at codon 1709 is replaced by valine, an amino acid with highly similar properties. This amino acid position is conserved. In addition, this alteration is predicted to be tolerated by in silico analysis. Based on the available evidence, the clinical significance of this variant remains unclear.